The following is an entry in ClinVar:

NM_000173.7(GP1BA):c.1132T>C (p.Ser378Pro)

Gene: GP1BA (glycoprotein Ib platelet subunit alpha; plus strand). Cytogenetic location: 17p13.2.
Variant type: single nucleotide variant.
Coding change: c.1132T>C on transcript NM_000173.7 (MANE Select); coding-DNA position 1132, T replaced by C.
Protein change: p.Ser378Pro; replaces serine 378 with proline.
Molecular consequence: missense variant.
Genome position (GRCh38, 1-based): chr17:4,933,736, T>C. VCF-style: chr17-4933736-T-C. GRCh37 (hg19) VCF-style: chr17-4837031-T-C.
Other names: short protein forms S378P.
Identifiers: ClinVar variation 3354069 (VCV003354069.1).

ClinVar aggregate classification (germline): Uncertain significance (0 of 4 stars; one submission).

Conditions:
GP1BA-related disorder. Also called: GP1BA-related condition.

Submission:

PreventionGenetics, part of Exact Sciences
Classification: Uncertain significance for GP1BA-related condition. Last evaluated: 2024-08-16. Review status: no assertion criteria provided. Collection method: clinical testing. Allele origin: germline.
Comment: The GP1BA c.1132T>C variant is predicted to result in the amino acid substitution p.Ser378Pro. To our knowledge, this variant has not been reported in the literature. This variant is reported in 0.00088% of alleles in individuals of European (Non-Finnish) descent in gnomAD. At this time, the clinical significance of this variant is uncertain due to the absence of conclusive functional and genetic evidence.